The following is an entry in ClinVar:

ClinVar aggregate classification (germline): Uncertain significance (1 of 4 stars; one submission).

Conditions:
SPEN-related disorder. Also called: SPEN-related condition.

Submission:

PreventionGenetics, part of Exact Sciences
Classification: Uncertain significance for SPEN-related condition. Last evaluated: 2025-12-10. Review status: criteria provided, single submitter. Criteria: ACMG Guidelines, 2015. Collection method: clinical testing. Allele origin: germline.
Comment: The SPEN c.7756_7758delACA variant is predicted to result in an in-frame deletion (p.Thr2586del). To our knowledge, this variant has not been reported in the literature or in a large population database (gnomAD), indicating this variant is rare. At this time, the clinical significance of this variant is uncertain due to the absence of conclusive functional and genetic evidence.

NM_015001.3(SPEN):c.7756_7758del (p.Thr2586del)

Gene: SPEN (spen family transcriptional repressor; plus strand). Cytogenetic location: 1p36.13.
Variant type: Deletion.
Coding change: c.7756_7758del on transcript NM_015001.3 (MANE Select); coding-DNA positions 7756 to 7758, 3 bases deleted (ACA; older notation c.7756_7758delACA).
Protein change: p.Thr2586del; deletes threonine 2586.
Molecular consequence: inframe deletion.
Genome position (GRCh38, 1-based): chr1:15,933,996-15,933,998, ACA deleted; deleting any 3 consecutive bases within chr1:15,933,995-15,933,998 gives the same sequence; the c. name uses the placement nearest the transcript's 3' end. VCF-style (leftmost placement, unchanged base first): chr1-15933994-AAAC-A. GRCh37 (hg19) VCF-style: chr1-16260489-AAAC-A.
Other names: short protein forms T2586del.
Identifiers: ClinVar variation 4997099 (VCV004997099.1).